The following is an entry in ClinVar:

NM_170754.4(TNS2):c.3624C>T (p.Pro1208=)

Gene: TNS2 (tensin 2; plus strand). Cytogenetic location: 12q13.13.
Variant type: single nucleotide variant.
Coding change: c.3624C>T on transcript NM_170754.4 (MANE Select); coding-DNA position 3624, C replaced by T.
Protein change: p.Pro1208=; no amino-acid change (proline 1208 retained).
Molecular consequence: synonymous variant.
Genome position (GRCh38, 1-based): chr12:53,062,202, C>T. VCF-style: chr12-53062202-C-T. GRCh37 (hg19) VCF-style: chr12-53455986-C-T.
Other names: c.3624C>T, p.Pro1208= (NM_001416202.1); c.3582C>T, p.Pro1194= (NM_001416203.1); c.3651C>T, p.Pro1217= (NM_001416204.1); c.3555C>T, p.Pro1185= (NM_015319.3); c.3252C>T, p.Pro1084= (NM_198316.2); c.3654C>T (NM_015319.2).
Identifiers: ClinVar variation 2078084 (VCV002078084.6), dbSNP rs148443926, ClinGen allele CA6592919.

ClinVar aggregate classification (germline): Benign. Review status: criteria provided, single submitter (1 of 4 stars). 2 submissions from 2 submitters: Benign (1). 1 of the submissions does not count toward it. Last evaluated 2025-12-13.

Conditions:
TNS2-related disorder. Also called: TNS2-related condition.

Allele frequency attached by ClinVar (database versions not stated): TOPMed 0.00013; ESP Exome Variant Server 0.00015; gnomAD 0.00082; gnomAD exomes 0.00122; ExAC 0.00279; 1000 Genomes Project 30x 0.00484; 1000 Genomes Project 0.00559.
gnomAD v4.1: 1,899 of 1,614,086 alleles (0.12%); highest among the groups gnomAD compares: South Asian, 2%; 34 homozygotes.

Submissions (2):

Labcorp Genetics (formerly Invitae), Labcorp
Classification: Benign. Last evaluated: 2025-12-13. Review status: criteria provided, single submitter. Criteria: Invitae Variant Classification Sherloc (09022015). Collection method: clinical testing. Allele origin: germline.

PreventionGenetics, part of Exact Sciences
Classification: Benign for TNS2-related condition. Last evaluated: 2019-05-17. Review status: no assertion criteria provided. Collection method: clinical testing. Allele origin: germline. Not counted in ClinVar's aggregate classification.
Comment: This variant is classified as benign based on ACMG/AMP sequence variant interpretation guidelines (Richards et al. 2015 PMID: 25741868, with internal and published modifications).